The following is an entry in ClinVar:

NM_001297.5(CNGB1):c.2332C>T (p.Arg778Cys)

Gene: CNGB1 (cyclic nucleotide gated channel subunit beta 1; minus strand). Cytogenetic location: 16q21.
Variant type: single nucleotide variant.
Coding change: c.2332C>T on transcript NM_001297.5 (MANE Select); coding-DNA position 2332, C replaced by T.
Protein change: p.Arg778Cys; replaces arginine 778 with cysteine.
Molecular consequence: missense variant.
Genome position (GRCh38, 1-based): chr16:57,912,967, G>A on the plus strand (C>T on the coding strand, the complement: CNGB1 is on the minus strand). VCF-style: chr16-57912967-G-A. GRCh37 (hg19) VCF-style: chr16-57946871-G-A.
Other names: c.2314C>T, p.Arg772Cys (NM_001286130.2); short protein forms R772C, R778C.
Identifiers: ClinVar variation 954876 (VCV000954876.10), dbSNP rs974814398, ClinGen allele CA281596947.

ClinVar aggregate classification (germline): Uncertain significance. Review status: criteria provided, multiple submitters, no conflicts (2 of 4 stars). 3 submissions from 3 submitters: Uncertain significance (3). Last evaluated 2022-09-07.

Allele frequency attached by ClinVar (database versions not stated): gnomAD 0.00002 and 0.00001; gnomAD exomes 0.00002; TOPMed 0.00003.
gnomAD v4.1: 26 of 1,613,912 alleles (0.0016%); highest among the groups gnomAD compares: Middle Eastern, 0.15%; no homozygotes.

Submissions (3):

Labcorp Genetics (formerly Invitae), Labcorp
Classification: Uncertain significance. Last evaluated: 2022-09-07. Review status: criteria provided, single submitter. Criteria: Invitae Variant Classification Sherloc (09022015). Collection method: clinical testing. Allele origin: germline.
Comment: This sequence change replaces arginine, which is basic and polar, with cysteine, which is neutral and slightly polar, at codon 778 of the CNGB1 protein (p.Arg778Cys). This variant is present in population databases (no rsID available, gnomAD 0.007%). This variant has not been reported in the literature in individuals affected with CNGB1-related conditions. ClinVar contains an entry for this variant (Variation ID: 954876). Algorithms developed to predict the effect of missense changes on protein structure and function are either unavailable or do not agree on the potential impact of this missense change (SIFT: "Deleterious"; PolyPhen-2: "Benign"; Align-GVGD: "Class C0"). In summary, the available evidence is currently insufficient to determine the role of this variant in disease. Therefore, it has been classified as a Variant of Uncertain Significance.

Blueprint Genetics
Classification: Uncertain significance. Last evaluated: 2022-06-23. Review status: criteria provided, single submitter. Criteria: ACMG Guidelines, 2015. Collection method: clinical testing. Allele origin: germline.

Breakthrough Genomics
Classification: Uncertain significance. Review status: criteria provided, single submitter. Criteria: ACMG Guidelines, 2015. Collection method: not provided. Allele origin: germline. Inheritance: Autosomal recessive inheritance. Affected: yes.